The following is an entry in ClinVar:

ClinVar aggregate classification (germline): Uncertain significance (1 of 4 stars; one submission).

gnomAD v4.1: 1 of 1,613,636 alleles (0.000062%); highest among the groups gnomAD compares: Non-Finnish European, 0.000085%; no homozygotes.

Submission:

GeneDx
Classification: Uncertain significance. Last evaluated: 2026-03-26. Review status: criteria provided, single submitter. Criteria: GeneDx Variant Classification Process June 2021. Collection method: clinical testing. Allele origin: germline.
Comment: Not observed at significant frequency in large population cohorts (gnomAD); In silico analysis supports that this missense variant has a deleterious effect on protein structure/function; Has not been previously published as pathogenic or benign to our knowledge

NM_001400225.1(MGA):c.2246G>A (p.Gly749Glu)

Gene: MGA (MAX dimerization protein MGA; plus strand). Cytogenetic location: 15q15.1.
Variant type: single nucleotide variant.
Coding change: c.2246G>A on transcript NM_001400225.1 (MANE Select); coding-DNA position 2246, G replaced by A.
Protein change: p.Gly749Glu; replaces glycine 749 with glutamic acid.
Molecular consequence: missense variant.
Genome position (GRCh38, 1-based): chr15:41,707,785, G>A. VCF-style: chr15-41707785-G-A. GRCh37 (hg19) VCF-style: chr15-41999983-G-A.
Other names: c.2246G>A, p.Gly749Glu (NM_001080541.3, NM_001164273.2, NM_001400242.1); short protein forms G749E.
Identifiers: ClinVar variation 5017581 (VCV005017581.1).
Genomic context (GRCh38, chr15:41,707,785, plus strand): 5'-TAGTGGGCTTAAAATTGAATTCAGTGGATCCAACAATGAGCATTGATCTTAAATACTTGG[G>A]AGTACAGTTACCTTTGGCTCCAGCTACTAGCTTTCCTTTTTGGAACCTTACAGGAACCAA-3'
Protein context (NP_001387154.1, residues 739-759): PTMSIDLKYL[Gly749Glu]VQLPLAPATS